The following is an entry in ClinVar:

ClinVar aggregate classification (germline): Uncertain significance (1 of 4 stars; one submission).

Conditions:
Welander distal myopathy (WDM). Also called: Gower's muscular dystrophy; MUSCULAR DYSTROPHY, DISTAL, LATE-ONSET, AUTOSOMAL DOMINANT; Welander distal myopathy, Swedish type; Distal myopathy, Swedish type. Identifiers: Orphanet 603, MedGen C0221054, MONDO:0011466, OMIM 604454.

Allele frequency attached by ClinVar (database versions not stated): gnomAD exomes 0.00001 and 0.00002; 1000 Genomes Project 0.00020; gnomAD below 0.00001 and 0.00002; TOPMed below 0.00001; 1000 Genomes Project 30x 0.00016; ExAC 0.00003.
gnomAD v4.1: 23 of 1,614,176 alleles (0.0014%); highest among the groups gnomAD compares: South Asian, 0.023%; no homozygotes.

Submission:

Labcorp Genetics (formerly Invitae), Labcorp
Classification: Uncertain significance for Welander distal myopathy. Last evaluated: 2024-11-05. Review status: criteria provided, single submitter. Criteria: Invitae Variant Classification Sherloc (09022015). Collection method: clinical testing. Allele origin: germline.
Comment: This sequence change replaces glutamine, which is neutral and polar, with proline, which is neutral and non-polar, at codon 361 of the TIA1 protein (p.Gln361Pro). This variant is present in population databases (rs556545503, gnomAD 0.02%). This variant has not been reported in the literature in individuals affected with TIA1-related conditions. ClinVar contains an entry for this variant (Variation ID: 528489). An algorithm developed to predict the effect of missense changes on protein structure and function outputs the following: PolyPhen-2: "Benign". The proline amino acid residue is found in multiple mammalian species, which suggests that this missense change does not adversely affect protein function. In summary, the available evidence is currently insufficient to determine the role of this variant in disease. Therefore, it has been classified as a Variant of Uncertain Significance.

NM_022173.4(TIA1):c.1082A>C (p.Gln361Pro)

Gene: TIA1 (TIA1 cytotoxic granule associated RNA binding protein; minus strand). Cytogenetic location: 2p13.3.
Variant type: single nucleotide variant.
Coding change: c.1082A>C on transcript NM_022173.4 (MANE Select); coding-DNA position 1082, A replaced by C.
Protein change: p.Gln361Pro; replaces glutamine 361 with proline.
Molecular consequence: missense variant. On other transcripts: non-coding transcript variant (17).
Genome position (GRCh38, 1-based): chr2:70,212,798, T>G on the plus strand (A>C on the coding strand, the complement: TIA1 is on the minus strand). VCF-style: chr2-70212798-T-G. GRCh37 (hg19) VCF-style: chr2-70439930-T-G.
Other names: c.1079A>C, p.Gln360Pro (NM_001351508.2); c.1055A>C, p.Gln352Pro (NM_001351509.2); c.1046A>C, p.Gln349Pro (NM_001351510.2); c.971A>C, p.Gln324Pro (NM_001351511.1); c.944A>C, p.Gln315Pro (NM_001351512.1); c.938A>C, p.Gln313Pro (NM_001351513.1); c.854A>C, p.Gln285Pro (NM_001351514.2); c.779A>C, p.Gln260Pro (NM_001351515.2); and 3 more; short protein forms Q361P, Q315P, Q324P, Q260P, Q349P, Q352P, Q220P, Q221P.
Identifiers: ClinVar variation 528489 (VCV000528489.9), dbSNP rs556545503, ClinGen allele CA1697403.